The following is an entry in ClinVar:

NM_002907.4(RECQL):c.991A>C (p.Thr331Pro)

Gene: RECQL (RecQ like helicase; minus strand). Cytogenetic location: 12p12.1.
Variant type: single nucleotide variant.
Coding change: c.991A>C on transcript NM_002907.4 (MANE Select); coding-DNA position 991, A replaced by C.
Protein change: p.Thr331Pro; replaces threonine 331 with proline.
Molecular consequence: missense variant.
Genome position (GRCh38, 1-based): chr12:21,475,783, T>G on the plus strand (A>C on the coding strand, the complement: RECQL is on the minus strand). VCF-style: chr12-21475783-T-G. GRCh37 (hg19) VCF-style: chr12-21628717-T-G.
Other names: c.991A>C, p.Thr331Pro (NM_032941.3); short protein forms T331P.
Identifiers: ClinVar variation 1005496 (VCV001005496.8), dbSNP rs1943075256, ClinGen allele CA384121975.
Genomic context (GRCh38, chr12:21,475,783, plus strand): 5'-CTGGCTCCAAATTGGCATGGTAAGCACCTGCATGAATTCCCAGATTCTGCAAACTAACCG[T>G]AACTTGTTCAGAGTCTTTCTGAGAAAAACAATATATGATTCCTGCAGTAAAATATGTGCA-3'
Protein context (NP_002898.2, residues 321-341): CFSQKDSEQV[Thr331Pro]VSLQNLGIHA

ClinVar aggregate classification (germline): Uncertain significance (1 of 4 stars; one submission).

Submission:

Labcorp Genetics (formerly Invitae), Labcorp
Classification: Uncertain significance. Last evaluated: 2022-02-24. Review status: criteria provided, single submitter. Criteria: Invitae Variant Classification Sherloc (09022015). Collection method: clinical testing. Allele origin: germline.
Comment: In summary, the available evidence is currently insufficient to determine the role of this variant in disease. Therefore, it has been classified as a Variant of Uncertain Significance. Algorithms developed to predict the effect of missense changes on protein structure and function are either unavailable or do not agree on the potential impact of this missense change (SIFT: "Deleterious"; PolyPhen-2: "Possibly Damaging"; Align-GVGD: "Class C0"). ClinVar contains an entry for this variant (Variation ID: 1005496). This variant has not been reported in the literature in individuals affected with RECQL-related conditions. This variant is not present in population databases (gnomAD no frequency). This sequence change replaces threonine, which is neutral and polar, with proline, which is neutral and non-polar, at codon 331 of the RECQL protein (p.Thr331Pro). Algorithms developed to predict the effect of sequence changes on RNA splicing suggest that this variant may create or strengthen a splice site.